The following is an entry in ClinVar:

NM_000493.4(COL10A1):c.1433C>T (p.Ala478Val)

Genes: COL10A1 (collagen type X alpha 1 chain; minus strand), NT5DC1 (5'-nucleotidase domain containing 1; plus strand). Cytogenetic location: 6q22.1.
Variant type: single nucleotide variant.
Coding change: c.1433C>T on transcript NM_000493.4 (MANE Select); coding-DNA position 1433, C replaced by T.
Protein change: p.Ala478Val; replaces alanine 478 with valine.
Molecular consequence: missense variant. On other transcripts: intron variant (1).
Genome position (GRCh38, 1-based): chr6:116,120,683, G>A on the plus strand (C>T on the coding strand, the complement: COL10A1 is on the minus strand). VCF-style: chr6-116120683-G-A. GRCh37 (hg19) VCF-style: chr6-116441846-G-A.
Other names: c.1433C>T, p.Ala478Val (NM_001424106.1, NM_001424107.1); c.529+2738G>A (NM_152729.3); c.1433C>T (NM_000493.3); short protein forms A478V.
Identifiers: ClinVar variation 1954091 (VCV001954091.6), dbSNP rs1485307336, ClinGen allele CA365388141.
Genomic context (GRCh38, chr6:116,120,683, plus strand): 5'-CTTGGACCTGGAGGCCCTGGTGGCCCGGTGGGTCCATTGAGGCCCTTAGTTGCTATGCCA[G>A]CTGGGCCAGGAGGACCGGGACTTCCTGGATCCCCTTTAGACCCAGGGAATCCTGGAATGC-3'
Protein context (NP_000484.2, residues 468-488): DPGSPGPPGP[Ala478Val]GIATKGLNGP

ClinVar aggregate classification (germline): Uncertain significance. Review status: criteria provided, multiple submitters, no conflicts (2 of 4 stars). 2 submissions from 2 submitters: Uncertain significance (2). Last evaluated 2024-09-29.

Conditions:
Inborn genetic diseases. Identifiers: MedGen C0950123, MeSH D030342.

Allele frequency attached by ClinVar (database versions not stated): TOPMed 0.00001.
gnomAD v4.1: 12 of 1,547,020 alleles (0.00078%); highest among the groups gnomAD compares: South Asian, 0.0051%; no homozygotes.

Submissions (2):

Labcorp Genetics (formerly Invitae), Labcorp
Classification: Uncertain significance. Last evaluated: 2024-09-29. Review status: criteria provided, single submitter. Criteria: Invitae Variant Classification Sherloc (09022015). Collection method: clinical testing. Allele origin: germline.
Comment: This sequence change replaces alanine, which is neutral and non-polar, with valine, which is neutral and non-polar, at codon 478 of the COL10A1 protein (p.Ala478Val). The frequency data for this variant in the population databases is considered unreliable, as metrics indicate poor data quality at this position in the gnomAD database. This variant has not been reported in the literature in individuals affected with COL10A1-related conditions. ClinVar contains an entry for this variant (Variation ID: 1954091). An algorithm developed to predict the effect of missense changes on protein structure and function outputs the following: PolyPhen-2: "Not Available". The valine amino acid residue is found in multiple mammalian species, which suggests that this missense change does not adversely affect protein function. In summary, the available evidence is currently insufficient to determine the role of this variant in disease. Therefore, it has been classified as a Variant of Uncertain Significance.

Ambry Genetics
Classification: Uncertain significance for Inborn genetic diseases. Last evaluated: 2024-06-26. Review status: criteria provided, single submitter. Criteria: Ambry Variant Classification Scheme 2023. Collection method: clinical testing. Allele origin: germline.